The following is an entry in ClinVar:

ClinVar aggregate classification (germline): Uncertain significance (1 of 4 stars; one submission).

Submission:

Ambry Genetics
Classification: Uncertain significance. Last evaluated: 2026-02-23. Review status: criteria provided, single submitter. Criteria: Ambry Variant Classification Scheme 2023. Collection method: clinical testing. Allele origin: germline.
Comment: The p.S522T variant (also known as c.1565G>C), located in coding exon 1 of the TET2 gene, results from a G to C substitution at nucleotide position 1565. The serine at codon 522 is replaced by threonine, an amino acid with similar properties. This amino acid position is conserved. In addition, this alteration is predicted to be tolerated by in silico analysis. Based on the available evidence, the clinical significance of this variant remains unclear.

NM_001127208.3(TET2):c.1565G>C (p.Ser522Thr)

Genes: TET2 (tet methylcytosine dioxygenase 2; plus strand), TET2-AS1 (TET2 antisense RNA 1; minus strand). Cytogenetic location: 4q24.
Variant type: single nucleotide variant.
Coding change: c.1565G>C on transcript NM_001127208.3 (MANE Select); coding-DNA position 1565, G replaced by C.
Protein change: p.Ser522Thr; replaces serine 522 with threonine.
Molecular consequence: missense variant.
Genome position (GRCh38, 1-based): chr4:105,235,507, G>C. VCF-style: chr4-105235507-G-C. GRCh37 (hg19) VCF-style: chr4-106156664-G-C.
Other names: c.1565G>C, p.Ser522Thr (NM_017628.4); short protein forms S522T.
Identifiers: ClinVar variation 4827239 (VCV004827239.1).